The following is an entry in ClinVar:

ClinVar aggregate classification (germline): Pathogenic/Likely pathogenic. Review status: criteria provided, multiple submitters, no conflicts (2 of 4 stars). 4 submissions from 4 submitters: Pathogenic (2); Likely pathogenic (2). Last evaluated 2025-10-08.

Conditions:
Deficiency of acetyl-CoA acetyltransferase. Also called: Beta-ketothiolase deficiency; MITOCHONDRIAL ACETOACETYL-CoA THIOLASE DEFICIENCY; 3-KETOTHIOLASE DEFICIENCY; 3-OXOTHIOLASE DEFICIENCY. Identifiers: Orphanet 134, MedGen C1536500, MONDO:0008760, OMIM 203750. Disease mechanism: loss of function.

Submissions (4):

Myriad Genetics, Inc.
Classification: Pathogenic for Deficiency of acetyl-CoA acetyltransferase. Last evaluated: 2025-10-08. Review status: criteria provided, single submitter. Criteria: Myriad Autosomal Dominant, Autosomal Recessive and X-Linked Classification Criteria (2023). Collection method: clinical testing. Allele origin: unknown.
Comment: NM_000019.3(ACAT1):c.649_652delAATT(N217Lfs*25) is expected to be pathogenic in the context of beta-ketothiolase deficiency. This variant is predicted to lead to an abnormal or absent protein product due to the creation of a premature termination codon in ACAT1, a gene where loss-of-function variants are known to be pathogenic. Please note: this variant was assessed in the context of healthy population screening.

Fulgent Genetics
Classification: Likely pathogenic for Deficiency of acetyl-CoA acetyltransferase. Last evaluated: 2024-03-06. Review status: criteria provided, single submitter. Criteria: ACMG Guidelines, 2015. Collection method: clinical testing. Allele origin: germline.

Labcorp Genetics (formerly Invitae), Labcorp
Classification: Pathogenic for Deficiency of acetyl-CoA acetyltransferase. Last evaluated: 2023-10-15. Review status: criteria provided, single submitter. Criteria: Invitae Variant Classification Sherloc (09022015). Collection method: clinical testing. Allele origin: germline.
Comment: This sequence change creates a premature translational stop signal (p.Asn217Leufs*25) in the ACAT1 gene. It is expected to result in an absent or disrupted protein product. Loss-of-function variants in ACAT1 are known to be pathogenic (PMID: 7749408). This variant is not present in population databases (gnomAD no frequency). This variant has not been reported in the literature in individuals affected with ACAT1-related conditions. For these reasons, this variant has been classified as Pathogenic.

Baylor Genetics
Classification: Likely pathogenic for Deficiency of acetyl-CoA acetyltransferase. Last evaluated: 2022-08-13. Review status: criteria provided, single submitter. Criteria: ACMG Guidelines, 2015. Collection method: clinical testing. Allele origin: unknown.

Literature cited by the submitters: PubMed 7749408 (cited by Labcorp Genetics (formerly Invitae), Labcorp).

NM_000019.4(ACAT1):c.649_652del (p.Asn217fs)

Gene: ACAT1 (acetyl-CoA acetyltransferase 1; plus strand). Cytogenetic location: 11q22.3.
Variant type: Deletion.
Coding change: c.649_652del on transcript NM_000019.4 (MANE Select); coding-DNA positions 649 to 652, 4 bases deleted (AATT; older notation c.649_652delAATT).
Protein change: p.Asn217fs; shifts the reading frame from asparagine 217.
Molecular consequence: frameshift variant. On other transcripts: non-coding transcript variant (2).
Genome position (GRCh38, 1-based): chr11:108,140,134-108,140,137, AATT deleted; deleting any 4 consecutive bases within chr11:108,140,131-108,140,137 gives the same sequence; the c. name uses the placement nearest the transcript's 3' end. VCF-style (leftmost placement, unchanged base first): chr11-108140130-TATTA-T. GRCh37 (hg19) VCF-style: chr11-108010857-TATTA-T.
Other names: c.649_652del, p.Asn217fs (NM_001386677.1); c.334_337del, p.Asn112fs (NM_001386678.1); c.352_355del, p.Asn118fs (NM_001386679.1); c.379_382del, p.Asn127fs (NM_001386681.1, NM_001386682.1, NM_001386685.1 and 6 more transcripts); short protein forms N112fs, N118fs, N127fs, N217fs.
Identifiers: ClinVar variation 2680325 (VCV002680325.6), dbSNP rs764568533, ClinGen allele CA2615815097.
Genomic context (GRCh38, chr11:108,140,130, plus strand): 5'-CTGTGCTGAGAATACAGCAAAGAAGCTGAATATTGCACGAAATGAACAGGACGCTTATGC[TATTA>T]ATTCTTATACCAGAAGTAAAGCAGCATGGGAAGCTGGGAAATTTGGAAATGAAGTTATTC-3'